The following is an entry in ClinVar:

ClinVar aggregate classification (germline): Benign. Review status: criteria provided, multiple submitters, no conflicts (2 of 4 stars). 5 submissions from 5 submitters: Benign (4). 1 of the submissions does not count toward it. Last evaluated 2026-02-02.

Conditions:
Candidiasis, familial, 6 (CANDF6). Also called: Candidiasis, familial, 6, autosomal dominant. Identifiers: Orphanet 1334, MedGen C3151405, MONDO:0013503, OMIM 613956.
IL17F-related disorder. Also called: IL17F-related condition.

Allele frequency attached by ClinVar (database versions not stated): 1000 Genomes Project 30x 0.01640; 1000 Genomes Project 0.01697; TOPMed 0.02679; gnomAD 0.02983 and 0.03070; gnomAD exomes 0.03039 and 0.04410; ExAC 0.03045; ESP Exome Variant Server 0.03214.
gnomAD v4.1: 68,853 of 1,613,836 alleles (4.3%); highest among the groups gnomAD compares: Non-Finnish European, 5%; 1,770 homozygotes.

Submissions (5):

Labcorp Genetics (formerly Invitae), Labcorp
Classification: Benign for Candidiasis, familial, 6. Last evaluated: 2026-02-02. Review status: criteria provided, single submitter. Criteria: Invitae Variant Classification Sherloc (09022015). Collection method: clinical testing. Allele origin: germline.

Mayo Clinic Laboratories, Mayo Clinic
Classification: Benign. Last evaluated: 2022-09-06. Review status: criteria provided, single submitter. Criteria: ACMG Guidelines, 2015. Collection method: clinical testing. Allele origin: germline. Observed: 6 variant alleles.

GeneDx
Classification: Benign. Last evaluated: 2021-06-09. Review status: criteria provided, single submitter. Criteria: GeneDx Variant Classification Process June 2021. Collection method: clinical testing. Allele origin: germline. Affected: yes.

Illumina Laboratory Services, Illumina
Classification: Benign for Candidiasis, familial, 6. Last evaluated: 2018-01-13. Review status: criteria provided, single submitter. Criteria: ICSL Variant Classification Criteria 13 December 2019. Collection method: clinical testing. Allele origin: germline.
Comment: This variant was observed in the ICSL laboratory as part of a predisposition screen in an ostensibly healthy population. It had not been previously curated by ICSL or reported in the Human Gene Mutation Database (HGMD: prior to June 1st, 2018), and was therefore a candidate for classification through an automated scoring system. Utilizing variant allele frequency, disease prevalence and penetrance estimates, and inheritance mode, an automated score was calculated to assess if this variant is too frequent to cause the disease. Based on the score and internal cut-off values, a variant classified as benign is not then subjected to further curation. The score for this variant resulted in a classification of benign for this disease.

PreventionGenetics, part of Exact Sciences
Classification: Benign for IL17F-related condition. Last evaluated: 2019-09-25. Review status: no assertion criteria provided. Collection method: clinical testing. Allele origin: germline. Not counted in ClinVar's aggregate classification.
Comment: This variant is classified as benign based on ACMG/AMP sequence variant interpretation guidelines (Richards et al. 2015 PMID: 25741868, with internal and published modifications).

NM_052872.4(IL17F):c.463G>A (p.Val155Ile)

Gene: IL17F (interleukin 17F; minus strand). Cytogenetic location: 6p12.2.
Variant type: single nucleotide variant.
Coding change: c.463G>A on transcript NM_052872.4 (MANE Select); coding-DNA position 463, G replaced by A.
Protein change: p.Val155Ile; replaces valine 155 with isoleucine.
Molecular consequence: missense variant.
Genome position (GRCh38, 1-based): chr6:52,236,960, C>T on the plus strand (G>A on the coding strand, the complement: IL17F is on the minus strand). VCF-style: chr6-52236960-C-T. GRCh37 (hg19) VCF-style: chr6-52101758-C-T.
Other names: short protein forms V155I.
Identifiers: ClinVar variation 357468 (VCV000357468.20), dbSNP rs11465553, ClinGen allele CA3854347.